The following is an entry in ClinVar:

ClinVar aggregate classification (germline): Likely pathogenic (1 of 4 stars; one submission).

Submission:

Labcorp Genetics (formerly Invitae), Labcorp
Classification: Likely pathogenic. Last evaluated: 2020-06-27. Review status: criteria provided, single submitter. Criteria: Invitae Variant Classification Sherloc (09022015). Collection method: clinical testing. Allele origin: germline.
Comment: In summary, the currently available evidence indicates that the variant is pathogenic, but additional data are needed to prove that conclusively. Therefore, this variant has been classified as Likely Pathogenic. Donor and acceptor splice site variants typically lead to a loss of protein function (PMID: 16199547), and loss-of-function variants in CYP11B1 are known to be pathogenic (PMID: 8506298, 26476331). Algorithms developed to predict the effect of sequence changes on RNA splicing suggest that this variant may disrupt the consensus splice site, but this prediction has not been confirmed by published transcriptional studies. This variant has not been reported in the literature in individuals with CYP11B1-related conditions. This variant is not present in population databases (ExAC no frequency). This sequence change affects a donor splice site in intron 4 of the CYP11B1 gene. It is expected to disrupt RNA splicing and likely results in an absent or disrupted protein product.

Literature cited by the submitters: PubMed 16199547; PubMed 8506298; PubMed 26476331.

NM_000497.4(CYP11B1):c.799+1G>A

Genes: CYP11B1 (cytochrome P450 family 11 subfamily B member 1; minus strand), LOC106799833 (CYP11B1 recombination region; plus strand). Cytogenetic location: 8q24.3.
Variant type: single nucleotide variant.
Coding change: c.799+1G>A on transcript NM_000497.4 (MANE Select); the canonical splice donor site of the intron after coding-DNA position 799, G replaced by A.
Molecular consequence: splice donor variant.
Genome position (GRCh38, 1-based): chr8:142,876,681, C>T on the plus strand (G>A on the coding strand, the complement: CYP11B1 is on the minus strand). VCF-style: chr8-142876681-C-T. GRCh37 (hg19) VCF-style: chr8-143958097-C-T.
Other names: c.799+1G>A (NM_001026213.1).
Identifiers: ClinVar variation 1067946 (VCV001067946.7), dbSNP rs1554652990, ClinGen allele CA372395368.
Genomic context (GRCh38, chr8:142,876,681, plus strand): 5'-GGAGAAATTGGGCCCCCATGGTGTCCCTTCCCCATAGCACTGCCCGGGTCCCTGGCCTCA[C>T]CGTACTGGAAGATGCAGTCCCAGGCCTCAAAGTGCTCCTTCCACACCTTGGGGCTGGTCC-3'